The following is an entry in ClinVar:

ClinVar aggregate classification (germline): Uncertain significance. Review status: criteria provided, multiple submitters, no conflicts (2 of 4 stars). 3 submissions from 3 submitters: Uncertain significance (3). Last evaluated 2023-07-17.

Conditions:
Hypertrophic cardiomyopathy. Also called: HYPERTROPHIC MYOCARDIOPATHY. Identifiers: Orphanet 217569, MedGen C0007194, MeSH D002312, MONDO:0005045, HP:0001639.
Cardiovascular phenotype. Identifiers: MedGen CN230736.
Hypertrophic cardiomyopathy 16. Identifiers: MedGen C3151204, MONDO:0013455, OMIM 613838.

Allele frequency attached by ClinVar (database versions not stated): ESP Exome Variant Server 0.00008.

Submissions (3):

Ambry Genetics
Classification: Uncertain significance for Cardiovascular phenotype. Last evaluated: 2023-07-17. Review status: criteria provided, single submitter. Criteria: Ambry Variant Classification Scheme 2023. Collection method: clinical testing. Allele origin: germline.
Comment: The p.M1? variant (also known as c.1A>T) is located in coding exon 1 of the MYOZ2 gene and results from a A to T substitution at nucleotide position 1. This alters the methionine residue at the initiation codon (ATG). This amino acid position is highly conserved in available vertebrate species. Sequence variations that modify the initiation codon are expected to result in either loss of translation initiation, N-terminal truncation, or cause a shift in the mRNA reading frame. However, the evidence for this gene-disease relationship is limited; therefore, the clinical significance of this alteration is unclear.

Labcorp Genetics (formerly Invitae), Labcorp
Classification: Uncertain significance for Hypertrophic cardiomyopathy. Last evaluated: 2022-03-23. Review status: criteria provided, single submitter. Criteria: Invitae Variant Classification Sherloc (09022015). Collection method: clinical testing. Allele origin: germline.
Comment: In summary, the available evidence is currently insufficient to determine the role of this variant in disease. Therefore, it has been classified as a Variant of Uncertain Significance. Experimental studies and prediction algorithms are not available or were not evaluated, and the functional significance of this variant is currently unknown. This variant has not been reported in the literature in individuals affected with MYOZ2-related conditions. This variant is not present in population databases (gnomAD no frequency). This sequence change affects the initiator methionine of the MYOZ2 mRNA. The next in-frame methionine is located at codon 7.

Fulgent Genetics
Classification: Uncertain significance for Hypertrophic cardiomyopathy 16. Last evaluated: 2021-09-01. Review status: criteria provided, single submitter. Criteria: ACMG Guidelines, 2015. Collection method: clinical testing. Allele origin: unknown.

NM_016599.5(MYOZ2):c.1A>T (p.Met1Leu)

Gene: MYOZ2 (myozenin 2; plus strand). Cytogenetic location: 4q26.
Variant type: single nucleotide variant.
Coding change: c.1A>T on transcript NM_016599.5 (MANE Select); coding-DNA position 1, A replaced by T.
Protein change: p.Met1Leu; changes the start codon (methionine 1).
Molecular consequence: missense variant, initiator codon variant.
Genome position (GRCh38, 1-based): chr4:119,136,526, A>T. VCF-style: chr4-119136526-A-T. GRCh37 (hg19) VCF-style: chr4-120057681-A-T.
Other names: c.1A>T (NM_016599.4); short protein forms M1L.
Identifiers: ClinVar variation 1465143 (VCV001465143.11), dbSNP rs368392953, ClinGen allele CA104969011.